The following is an entry in ClinVar:

ClinVar aggregate classification (germline): Uncertain significance. Review status: criteria provided, multiple submitters, no conflicts (2 of 4 stars). 2 submissions from 2 submitters: Uncertain significance (2). Last evaluated 2025-06-07.

Conditions:
Cardiovascular phenotype. Identifiers: MedGen CN230736.

Allele frequency attached by ClinVar (database versions not stated): TOPMed below 0.00001; gnomAD exomes below 0.00001.

Submissions (2):

Ambry Genetics
Classification: Uncertain significance for Cardiovascular phenotype. Last evaluated: 2025-06-07. Review status: criteria provided, single submitter. Criteria: Ambry Variant Classification Scheme 2023. Collection method: clinical testing. Allele origin: germline.
Comment: The p.V258I variant (also known as c.772G>A), located in coding exon 1 of the KCND3 gene, results from a G to A substitution at nucleotide position 772. The valine at codon 258 is replaced by isoleucine, an amino acid with highly similar properties. This amino acid position is conserved. In addition, the in silico prediction for this alteration is inconclusive. Based on the available evidence, the clinical significance of this variant remains unclear.

GeneDx
Classification: Uncertain significance. Last evaluated: 2019-10-18. Review status: criteria provided, single submitter. Criteria: GeneDx Variant Classification Process June 2021. Collection method: clinical testing. Allele origin: germline. Affected: yes.
Comment: Not observed in large population cohorts (Lek et al., 2016); In silico analysis, which includes protein predictors and evolutionary conservation, supports that this variant does not alter protein structure/function; Has not been previously published as pathogenic or benign to our knowledge

NM_001378969.1(KCND3):c.772G>A (p.Val258Ile)

Gene: KCND3 (potassium voltage-gated channel subfamily D member 3; minus strand). Cytogenetic location: 1p13.2.
Variant type: single nucleotide variant.
Coding change: c.772G>A on transcript NM_001378969.1 (MANE Select); coding-DNA position 772, G replaced by A.
Protein change: p.Val258Ile; replaces valine 258 with isoleucine.
Molecular consequence: missense variant.
Genome position (GRCh38, 1-based): chr1:111,981,955, C>T on the plus strand (G>A on the coding strand, the complement: KCND3 is on the minus strand). VCF-style: chr1-111981955-C-T. GRCh37 (hg19) VCF-style: chr1-112524577-C-T.
Other names: c.772G>A, p.Val258Ile (NM_001378970.1, NM_004980.5, NM_172198.3); short protein forms V258I.
Identifiers: ClinVar variation 1316355 (VCV001316355.3), dbSNP rs1674969380, ClinGen allele CA341821400.